The following is an entry in ClinVar:

ClinVar aggregate classification (germline): Likely benign. Review status: criteria provided, multiple submitters, no conflicts (2 of 4 stars). 2 submissions from 2 submitters: Likely benign (2). Last evaluated 2026-07-14.

Conditions:
Peroxisome biogenesis disorder 11A (Zellweger). Also called: Peroxisome biogenesis disorder 11A. Identifiers: Orphanet 912, MedGen C3554000, MONDO:0013949, OMIM 614883.
PEX13-related disorder. Also called: PEX13-related disorders; PEX13-related condition.

Allele frequency attached by ClinVar (database versions not stated): TOPMed below 0.00001; gnomAD exomes 0.00001 and 0.00002; ExAC 0.00002; gnomAD 0.00002.
gnomAD v4.1: 20 of 1,613,456 alleles (0.0012%); highest among the groups gnomAD compares: South Asian, 0.0044%; no homozygotes.

Submissions (2):

PreventionGenetics, part of Exact Sciences
Classification: Likely benign for PEX13-related condition. Last evaluated: 2026-07-14. Review status: criteria provided, single submitter. Criteria: ACMG Guidelines, 2015. Collection method: clinical testing. Allele origin: germline.
Comment: This variant is classified as likely benign based on ACMG/AMP sequence variant interpretation guidelines (Richards et al. 2015 PMID: 25741868, with internal and published modifications).

Labcorp Genetics (formerly Invitae), Labcorp
Classification: Likely benign for Peroxisome biogenesis disorder 11A (Zellweger). Last evaluated: 2024-01-22. Review status: criteria provided, single submitter. Criteria: Invitae Variant Classification Sherloc (09022015). Collection method: clinical testing. Allele origin: germline.

NM_002618.4(PEX13):c.759A>G (p.Leu253=)

Gene: PEX13 (peroxisomal biogenesis factor 13; plus strand). Cytogenetic location: 2p15.
Variant type: single nucleotide variant.
Coding change: c.759A>G on transcript NM_002618.4 (MANE Select); coding-DNA position 759, A replaced by G.
Protein change: p.Leu253=; no amino-acid change (leucine 253 retained).
Molecular consequence: synonymous variant.
Genome position (GRCh38, 1-based): chr2:61,032,085, A>G. VCF-style: chr2-61032085-A-G. GRCh37 (hg19) VCF-style: chr2-61259220-A-G.
Other names: c.759A>G (NM_002618.3).
Identifiers: ClinVar variation 1610486 (VCV001610486.9), dbSNP rs752467884, ClinGen allele CA1673342.